The following is an entry in ClinVar:

NM_005961.3(MUC6):c.5760C>T (p.Tyr1920=)

Gene: MUC6 (mucin 6, oligomeric mucus/gel-forming (gene/pseudogene); minus strand). Cytogenetic location: 11p15.5.
Variant type: single nucleotide variant.
Coding change: c.5760C>T on transcript NM_005961.3 (MANE Select); coding-DNA position 5760, C replaced by T.
Protein change: p.Tyr1920=; no amino-acid change (tyrosine 1920 retained).
Molecular consequence: synonymous variant.
Genome position (GRCh38, 1-based): chr11:1,017,041, G>A on the plus strand (C>T on the coding strand, the complement: MUC6 is on the minus strand). VCF-style: chr11-1017041-G-A. GRCh37 (hg19) VCF-style: chr11-1017041-G-A.
Identifiers: ClinVar variation 2641102 (VCV002641102.24), dbSNP rs75482640, ClinGen allele CA5795308.
Genomic context (GRCh38, chr11:1,017,041, plus strand): 5'-GGGGGTGATGTTGGTGGTAGAAGTTGGGGTGACTTCAGGATGGTGTGTTGAGGAAGTGTG[G>A]TAAGGTAGGGATGTAGAAGTTTTGGCCGTGCTAAATGAGCTTGGGGATTGGCTGGTCCCA-3'
Protein context (NP_005952.2, residues 1910-1930): STAKTSTSLP[Tyr1920=]HTSSTHHPEV

ClinVar aggregate classification (germline): Likely benign (1 of 4 stars; one submission).

Submission:

CeGaT Center for Human Genetics Tuebingen
Classification: Likely benign. Last evaluated: 2025-12-01. Review status: criteria provided, single submitter. Criteria: CeGaT Center For Human Genetics Tuebingen Variant Classification Criteria Version 2. Collection method: clinical testing. Allele origin: germline. Affected: yes. Observed: 3 variant alleles.
Comment: MUC6: BP4, BP7